The following is an entry in ClinVar:

ClinVar aggregate classification (germline): Pathogenic (1 of 4 stars; one submission).

Conditions:
Fanconi anemia complementation group A (FANCA). Also called: Fanconi anemia, group A; FANCA-Related Fanconi Anemia. Identifiers: Orphanet 84, MedGen C3469521, MONDO:0009215, OMIM 227650.

Submission:

Myriad Genetics, Inc.
Classification: Pathogenic for Fanconi anemia complementation group A. Last evaluated: 2023-12-10. Review status: criteria provided, single submitter. Criteria: Myriad Autosomal Dominant, Autosomal Recessive and X-Linked Classification Criteria (2023). Collection method: clinical testing. Allele origin: unknown.
Comment: NM_000135.2(FANCA):c.2377G>T(E793*) is expected to be pathogenic in the context of Fanconi anemia complementation group A. This variant is predicted to lead to an abnormal or absent protein product due to the creation of a premature termination codon in FANCA, a gene where loss-of-function variants are known to be pathogenic. Please note: this variant was assessed in the context of healthy population screening.

NM_000135.4(FANCA):c.2377G>T (p.Glu793Ter)

Gene: FANCA (FA complementation group A; minus strand). Cytogenetic location: 16q24.3.
Variant type: single nucleotide variant.
Coding change: c.2377G>T on transcript NM_000135.4 (MANE Select); coding-DNA position 2377, G replaced by T.
Protein change: p.Glu793Ter; replaces glutamic acid 793 with a stop codon.
Molecular consequence: nonsense.
Genome position (GRCh38, 1-based): chr16:89,769,964, C>A on the plus strand (G>T on the coding strand, the complement: FANCA is on the minus strand). VCF-style: chr16-89769964-C-A. GRCh37 (hg19) VCF-style: chr16-89836372-C-A.
Other names: c.2377G>T, p.Glu793Ter (NM_001286167.3); short protein forms E793*.
Identifiers: ClinVar variation 5012561 (VCV005012561.1).